The following is an entry in ClinVar:

ClinVar aggregate classification (germline): Uncertain significance (1 of 4 stars; one submission).

Allele frequency attached by ClinVar (database versions not stated): gnomAD exomes below 0.00001.
gnomAD v4.1: 6 of 1,614,160 alleles (0.00037%); highest among the groups gnomAD compares: East Asian, 0.0045%; no homozygotes.

Submission:

Labcorp Genetics (formerly Invitae), Labcorp
Classification: Uncertain significance. Last evaluated: 2022-06-05. Review status: criteria provided, single submitter. Criteria: Invitae Variant Classification Sherloc (09022015). Collection method: clinical testing. Allele origin: germline.
Comment: This variant has not been reported in the literature in individuals affected with HSPG2-related conditions. Algorithms developed to predict the effect of missense changes on protein structure and function are either unavailable or do not agree on the potential impact of this missense change (SIFT: "Deleterious"; PolyPhen-2: "Possibly Damaging"; Align-GVGD: "Class C0"). In summary, the available evidence is currently insufficient to determine the role of this variant in disease. Therefore, it has been classified as a Variant of Uncertain Significance. This variant is present in population databases (no rsID available, gnomAD 0.006%). This sequence change replaces threonine, which is neutral and polar, with isoleucine, which is neutral and non-polar, at codon 2033 of the HSPG2 protein (p.Thr2033Ile).

NM_005529.7(HSPG2):c.6098C>T (p.Thr2033Ile)

Gene: HSPG2 (heparan sulfate proteoglycan 2; minus strand). Cytogenetic location: 1p36.12.
Variant type: single nucleotide variant.
Coding change: c.6098C>T on transcript NM_005529.7 (MANE Select); coding-DNA position 6098, C replaced by T.
Protein change: p.Thr2033Ile; replaces threonine 2033 with isoleucine.
Molecular consequence: missense variant.
Genome position (GRCh38, 1-based): chr1:21,854,883, G>A on the plus strand (C>T on the coding strand, the complement: HSPG2 is on the minus strand). VCF-style: chr1-21854883-G-A. GRCh37 (hg19) VCF-style: chr1-22181376-G-A.
Other names: c.6101C>T, p.Thr2034Ile (NM_001291860.2); short protein forms T2034I, T2033I.
Identifiers: ClinVar variation 1931997 (VCV001931997.5), dbSNP rs1296804094, ClinGen allele CA338934640.
Genomic context (GRCh38, chr1:21,854,883, plus strand): 5'-CCCTCCATTCCCAGAGAGTCCGTACCTGAAAGGACAACCACTTGGATCCGGGCCTGGGCA[G>A]TGCCTGCAGGGCTGGTGGCCACGCAGAGGTAGAAGCCGGCGTCAGCAGTCGTGATGGCTG-3'
Protein context (NP_005520.4, residues 2023-2043): YLCVATSPAG[Thr2033Ile]AQARIQVVVL